The following is an entry in ClinVar:

NM_015978.3(TNNI3K):c.172G>C (p.Val58Leu)

Genes: FPGT-TNNI3K (FPGT-TNNI3K readthrough; plus strand), TNNI3K (TNNI3 interacting kinase; plus strand). Cytogenetic location: 1p31.1.
Variant type: single nucleotide variant.
Coding change: c.172G>C on transcript NM_015978.3 (MANE Select); coding-DNA position 172, G replaced by C.
Protein change: p.Val58Leu; replaces valine 58 with leucine.
Molecular consequence: missense variant.
Genome position (GRCh38, 1-based): chr1:74,249,481, G>C. VCF-style: chr1-74249481-G-C. GRCh37 (hg19) VCF-style: chr1-74715165-G-C.
Other names: c.475G>C, p.Val159Leu (NM_001112808.3, NM_001199327.2); short protein forms V159L, V58L.
Identifiers: ClinVar variation 1719107 (VCV001719107.5), dbSNP rs2524364035, ClinGen allele CA340787934.
Genomic context (GRCh38, chr1:74,249,481, plus strand): 5'-GATGAATTTTGTGATCATCTGTAACATGTTTTTTTCAGCTCTGATGAAGCCTTCAGTAAA[G>C]TCAATTTAAATTACCGCACTGAAAATGGGCTGTCTCTACTTCATTTATGTTGCATTTGTG-3'
Protein context (NP_057062.1, residues 48-68): IFGSDEAFSK[Val58Leu]NLNYRTENGL

ClinVar aggregate classification (germline): Uncertain significance (1 of 4 stars; one submission).

Submission:

Labcorp Genetics (formerly Invitae), Labcorp
Classification: Uncertain significance. Last evaluated: 2022-09-09. Review status: criteria provided, single submitter. Criteria: Invitae Variant Classification Sherloc (09022015). Collection method: clinical testing. Allele origin: germline.
Comment: This sequence change replaces valine, which is neutral and non-polar, with leucine, which is neutral and non-polar, at codon 58 of the TNNI3K protein (p.Val58Leu). This variant is not present in population databases (gnomAD no frequency). This variant has not been reported in the literature in individuals affected with TNNI3K-related conditions. Advanced modeling of protein sequence and biophysical properties (such as structural, functional, and spatial information, amino acid conservation, physicochemical variation, residue mobility, and thermodynamic stability) performed at Invitae indicates that this missense variant is not expected to disrupt TNNI3K protein function. In summary, the available evidence is currently insufficient to determine the role of this variant in disease. Therefore, it has been classified as a Variant of Uncertain Significance.